The following is an entry in ClinVar:

ClinVar aggregate classification (germline): Uncertain significance. Review status: criteria provided, multiple submitters, no conflicts (2 of 4 stars). 2 submissions from 2 submitters: Uncertain significance (2). Last evaluated 2025-08-04.

Conditions:
Inborn genetic diseases. Identifiers: MedGen C0950123, MeSH D030342.

Allele frequency attached by ClinVar (database versions not stated): TOPMed below 0.00001; gnomAD exomes 0.00011.
gnomAD v4.1: 161 of 1,614,168 alleles (0.01%); highest among the groups gnomAD compares: Non-Finnish European, 0.013%; no homozygotes.

Submissions (2):

Ambry Genetics
Classification: Uncertain significance for Inborn genetic diseases. Last evaluated: 2025-08-04. Review status: criteria provided, single submitter. Criteria: Ambry Variant Classification Scheme 2023. Collection method: clinical testing. Allele origin: germline.

Labcorp Genetics (formerly Invitae), Labcorp
Classification: Uncertain significance. Last evaluated: 2022-03-04. Review status: criteria provided, single submitter. Criteria: Invitae Variant Classification Sherloc (09022015). Collection method: clinical testing. Allele origin: germline.
Comment: This sequence change replaces proline, which is neutral and non-polar, with leucine, which is neutral and non-polar, at codon 815 of the TRPM1 protein (p.Pro815Leu). In summary, the available evidence is currently insufficient to determine the role of this variant in disease. Therefore, it has been classified as a Variant of Uncertain Significance. Algorithms developed to predict the effect of missense changes on protein structure and function are either unavailable or do not agree on the potential impact of this missense change (SIFT: "Tolerated"; PolyPhen-2: "Possibly Damaging"; Align-GVGD: "Class C0"). This variant has not been reported in the literature in individuals affected with TRPM1-related conditions. This variant is present in population databases (no rsID available, gnomAD 0.0009%).

NM_001252024.2(TRPM1):c.2510C>T (p.Pro837Leu)

Gene: TRPM1 (transient receptor potential cation channel subfamily M member 1; minus strand). Cytogenetic location: 15q13.3.
Variant type: single nucleotide variant.
Coding change: c.2510C>T on transcript NM_001252024.2 (MANE Select); coding-DNA position 2510, C replaced by T.
Protein change: p.Pro837Leu; replaces proline 837 with leucine.
Molecular consequence: missense variant.
Genome position (GRCh38, 1-based): chr15:31,037,772, G>A on the plus strand (C>T on the coding strand, the complement: TRPM1 is on the minus strand). VCF-style: chr15-31037772-G-A. GRCh37 (hg19) VCF-style: chr15-31329975-G-A.
Other names: c.2444C>T (NM_002420.4); c.2561C>T, p.Pro854Leu (NM_001252020.2); c.2444C>T, p.Pro815Leu (NM_002420.6); short protein forms P854L, P815L, P837L.
Identifiers: ClinVar variation 1907050 (VCV001907050.6), dbSNP rs1048757441, ClinGen allele CA267519209.
Genomic context (GRCh38, chr15:31,037,772, plus strand): 5'-GTGTAAAACCAGAACTTGACAATGGGCGCGTTATAGAATTCACAGATCTTTGTTCCGATG[G>A]GAATACTTCTCTGTTTTTTGTGCTCGTTCTCCTCATCCCCCTTTCTTGAGCCAGCATCTG-3'
Protein context (NP_001238953.1, residues 827-847): ENEHKKQRSI[Pro837Leu]IGTKICEFYN